The following is an entry in ClinVar:

ClinVar aggregate classification (germline): Pathogenic. Review status: criteria provided, multiple submitters, no conflicts (2 of 4 stars). 2 submissions from 2 submitters: Pathogenic (2). Last evaluated 2025-03-17.

Submissions (2):

Labcorp Genetics (formerly Invitae), Labcorp
Classification: Pathogenic. Last evaluated: 2025-03-17. Review status: criteria provided, single submitter. Criteria: Invitae Variant Classification Sherloc (09022015). Collection method: clinical testing. Allele origin: germline.
Comment: This sequence change creates a premature translational stop signal (p.Glu1145*) in the CACNA1F gene. It is expected to result in an absent or disrupted protein product. Loss-of-function variants in CACNA1F are known to be pathogenic (PMID: 9662399, 11281458, 17525176, 22194652, 24124559, 26992781). This variant is not present in population databases (gnomAD no frequency). This variant has not been reported in the literature in individuals affected with CACNA1F-related conditions. ClinVar contains an entry for this variant (Variation ID: 372314). For these reasons, this variant has been classified as Pathogenic.

GeneDx
Classification: Pathogenic. Last evaluated: 2015-04-01. Review status: criteria provided, single submitter. Criteria: GeneDx Variant Classification (06012015). Collection method: clinical testing. Allele origin: germline. Affected: yes.
Comment: The E1145X nonsense variant in the CACNA1F gene is predicted to cause loss of normal protein function either through protein truncation or nonsense-mediated mRNA decay. Therefore, we interpret this variant as pathogenic.

Literature cited by the submitters: PubMed 9662399 (cited by Labcorp Genetics (formerly Invitae), Labcorp); PubMed 11281458 (cited by Labcorp Genetics (formerly Invitae), Labcorp); PubMed 17525176 (cited by Labcorp Genetics (formerly Invitae), Labcorp); PubMed 22194652 (cited by Labcorp Genetics (formerly Invitae), Labcorp); PubMed 24124559 (cited by Labcorp Genetics (formerly Invitae), Labcorp); PubMed 26992781 (cited by Labcorp Genetics (formerly Invitae), Labcorp).

NM_001256789.3(CACNA1F):c.3400G>T (p.Glu1134Ter)

Gene: CACNA1F (calcium voltage-gated channel subunit alpha1 F; minus strand). Cytogenetic location: Xp11.23.
Variant type: single nucleotide variant.
Coding change: c.3400G>T on transcript NM_001256789.3 (MANE Select); coding-DNA position 3400, G replaced by T.
Protein change: p.Glu1134Ter; replaces glutamic acid 1134 with a stop codon.
Molecular consequence: nonsense.
Genome position (GRCh38, 1-based): chrX:49,215,380, C>A on the plus strand (G>T on the coding strand, the complement: CACNA1F is on the minus strand). VCF-style: chrX-49215380-C-A. GRCh37 (hg19) VCF-style: chrX-49071840-C-A.
Other names: c.3238G>T, p.Glu1080Ter (NM_001256790.3); c.3433G>T, p.Glu1145Ter (NM_005183.4); short protein forms E1145*, E1080*, E1134*.
Identifiers: ClinVar variation 372314 (VCV000372314.10), dbSNP rs138447882, ClinGen allele CA16043326.